The following is an entry in ClinVar:

NM_199069.2(NDUFAF3):c.336A>T (p.Ile112=)

Gene: NDUFAF3 (NADH:ubiquinone oxidoreductase complex assembly factor 3; plus strand). Cytogenetic location: 3p21.31.
Variant type: single nucleotide variant.
Coding change: c.336A>T on transcript NM_199069.2 (MANE Select); coding-DNA position 336, A replaced by T.
Protein change: p.Ile112=; no amino-acid change (isoleucine 112 retained).
Molecular consequence: synonymous variant.
Genome position (GRCh38, 1-based): chr3:49,022,767, A>T. VCF-style: chr3-49022767-A-T. GRCh37 (hg19) VCF-style: chr3-49060200-A-T.
Other names: c.336A>T (NM_199069.1); c.165A>T, p.Ile55= (NM_199070.2, NM_199073.2, NM_199074.2).
Identifiers: ClinVar variation 2159215 (VCV002159215.6), dbSNP rs147760763, ClinGen allele CA2390260.

ClinVar aggregate classification (germline): Uncertain significance. Review status: criteria provided, multiple submitters, no conflicts (2 of 4 stars). 3 submissions from 3 submitters: Uncertain significance (3). Last evaluated 2026-10-07.

Conditions:
Mitochondrial complex I deficiency, nuclear type 18. Also called: Mitochondrial complex 1 deficiency, nuclear type 18. Identifiers: MedGen C4748790, MONDO:0032623, OMIM 618240.

Allele frequency attached by ClinVar (database versions not stated): ExAC 0.00016; gnomAD 0.00042; ESP Exome Variant Server 0.00046; TOPMed 0.00043; 1000 Genomes Project 0.00060; 1000 Genomes Project 30x 0.00062.
gnomAD v4.1: 140 of 1,614,002 alleles (0.0087%); highest among the groups gnomAD compares: African/African-American, 0.15%; 1 homozygote.

Submissions (5):

GeneDx
Classification: Uncertain significance. Last evaluated: 2026-10-07. Review status: criteria provided, single submitter. Criteria: GeneDx Variant Classification Process June 2021. Collection method: clinical testing. Allele origin: germline.
Comment: In silico analysis supports a deleterious effect on splicing; Has not been previously published as pathogenic or benign to our knowledge

Fulgent Genetics
Classification: Uncertain significance for Mitochondrial complex I deficiency, nuclear type 18. Last evaluated: 2024-03-21. Review status: criteria provided, single submitter. Criteria: ACMG Guidelines, 2015. Collection method: clinical testing. Allele origin: germline.

Labcorp Genetics (formerly Invitae), Labcorp
Classification: Uncertain significance. Last evaluated: 2022-08-12. Review status: criteria provided, single submitter. Criteria: Invitae Variant Classification Sherloc (09022015). Collection method: clinical testing. Allele origin: germline.
Comment: This sequence change affects codon 112 of the NDUFAF3 mRNA. It is a 'silent' change, meaning that it does not change the encoded amino acid sequence of the NDUFAF3 protein. It affects a nucleotide within the consensus splice site. This variant is present in population databases (rs147760763, gnomAD 0.2%), including at least one homozygous and/or hemizygous individual. This variant has not been reported in the literature in individuals affected with NDUFAF3-related conditions. Algorithms developed to predict the effect of sequence changes on RNA splicing suggest that this variant may disrupt the consensus splice site. In summary, the available evidence is currently insufficient to determine the role of this variant in disease. Therefore, it has been classified as a Variant of Uncertain Significance.

Dr. Peter K. Rogan Lab, Western University
No classification provided (evidence only). Condition: Familial cancer of breast. Review status: no classification provided. Collection method: in vitro. Allele origin: not applicable. Functional consequence: retained intron. Not counted in ClinVar's aggregate classification.

Dr. Peter K. Rogan Lab, Western University
No classification provided (evidence only). Condition: Adrenocortical carcinoma, hereditary. Review status: no classification provided. Collection method: in vitro. Allele origin: not applicable. Functional consequence: retained intron. Not counted in ClinVar's aggregate classification.